The following is an entry in ClinVar:

ClinVar aggregate classification (germline): Uncertain significance. Review status: criteria provided, multiple submitters, no conflicts (2 of 4 stars). 2 submissions from 2 submitters: Uncertain significance (2). Last evaluated 2026-03-13.

Conditions:
Inborn genetic diseases. Identifiers: MedGen C0950123, MeSH D030342.

Submissions (2):

GeneDx
Classification: Uncertain significance. Last evaluated: 2026-03-13. Review status: criteria provided, single submitter. Criteria: GeneDx Variant Classification Process June 2021. Collection method: clinical testing. Allele origin: germline.
Comment: Not observed at significant frequency in large population cohorts (gnomAD); In silico analysis supports that this missense variant has a deleterious effect on protein structure/function; Has not been previously published as pathogenic or benign to our knowledge

Ambry Genetics
Classification: Uncertain significance for Inborn genetic diseases. Last evaluated: 2021-11-15. Review status: criteria provided, single submitter. Criteria: Ambry Variant Classification Scheme 2023. Collection method: clinical testing. Allele origin: germline.

NM_021956.5(GRIK2):c.461C>T (p.Ser154Phe)

Gene: GRIK2 (glutamate ionotropic receptor kainate type subunit 2; plus strand). Cytogenetic location: 6q16.3.
Variant type: single nucleotide variant.
Coding change: c.461C>T on transcript NM_021956.5 (MANE Select); coding-DNA position 461, C replaced by T.
Protein change: p.Ser154Phe; replaces serine 154 with phenylalanine.
Molecular consequence: missense variant.
Genome position (GRCh38, 1-based): chr6:101,626,557, C>T. VCF-style: chr6-101626557-C-T. GRCh37 (hg19) VCF-style: chr6-102074432-C-T.
Other names: c.461C>T (NM_021956.3); c.461C>T, p.Ser154Phe (NM_001166247.1, NM_175768.3); short protein forms S154F.
Identifiers: ClinVar variation 2261419 (VCV002261419.3), dbSNP rs1780450297, ClinGen allele CA365307843.